The following is an entry in ClinVar:

NM_014714.4(IFT140):c.236G>T (p.Gly79Val)

Genes: IFT140 (intraflagellar transport 140; minus strand), LOC105371046 (uncharacterized LOC105371046; plus strand). Cytogenetic location: 16p13.3.
Variant type: single nucleotide variant.
Coding change: c.236G>T on transcript NM_014714.4 (MANE Select); coding-DNA position 236, G replaced by T.
Protein change: p.Gly79Val; replaces glycine 79 with valine.
Molecular consequence: missense variant.
Genome position (GRCh38, 1-based): chr16:1,602,503, C>A on the plus strand (G>T on the coding strand, the complement: IFT140 is on the minus strand). VCF-style: chr16-1602503-C-A. GRCh37 (hg19) VCF-style: chr16-1652504-C-A.
Other names: short protein forms G79V.
Identifiers: ClinVar variation 3018090 (VCV003018090.3), dbSNP rs2035846752, ClinGen allele CA394223208.

ClinVar aggregate classification (germline): Uncertain significance (1 of 4 stars; one submission).

Conditions:
Saldino-Mainzer syndrome (SRTD9). Also called: SHORT-RIB THORACIC DYSPLASIA 9 WITHOUT POLYDACTYLY; short-rib thoracic dysplasia 9 with or without polydactyly; CONORENAL SYNDROME; Renal dysplasia, retinal pigmentary dystrophy, cerebellar ataxia and skeletal dysplasia. Identifiers: Orphanet 140969, MedGen C1849437, MONDO:0009964, OMIM 266920.

Allele frequency attached by ClinVar (database versions not stated): gnomAD exomes below 0.00001; TOPMed 0.00001.
gnomAD v4.1: 1 of 1,614,208 alleles (0.000062%); highest among the groups gnomAD compares: Non-Finnish European, 0.000085%; no homozygotes.

Submission:

Labcorp Genetics (formerly Invitae), Labcorp
Classification: Uncertain significance for Saldino-Mainzer syndrome. Last evaluated: 2025-05-19. Review status: criteria provided, single submitter. Criteria: Invitae Variant Classification Sherloc (09022015). Collection method: clinical testing. Allele origin: germline.
Comment: This sequence change replaces glycine, which is neutral and non-polar, with valine, which is neutral and non-polar, at codon 79 of the IFT140 protein (p.Gly79Val). This variant is not present in population databases (gnomAD no frequency). This variant has not been reported in the literature in individuals affected with IFT140-related conditions. ClinVar contains an entry for this variant (Variation ID: 3018090). Invitae Evidence Modeling of protein sequence and biophysical properties (such as structural, functional, and spatial information, amino acid conservation, physicochemical variation, residue mobility, and thermodynamic stability) has been performed for this missense variant. However, the output from this modeling did not meet the statistical confidence thresholds required to predict the impact of this variant on IFT140 protein function. In summary, the available evidence is currently insufficient to determine the role of this variant in disease. Therefore, it has been classified as a Variant of Uncertain Significance.